The following is an entry in ClinVar:

ClinVar aggregate classification (germline): Uncertain significance. Review status: criteria provided, multiple submitters, no conflicts (2 of 4 stars). 2 submissions from 2 submitters: Uncertain significance (2). Last evaluated 2024-12-06.

Conditions:
Inborn genetic diseases. Identifiers: MedGen C0950123, MeSH D030342.

Allele frequency attached by ClinVar (database versions not stated): gnomAD 0.00001.
gnomAD v4.1: 52 of 1,608,818 alleles (0.0032%); highest among the groups gnomAD compares: Middle Eastern, 0.033%; no homozygotes.

Submissions (2):

Ambry Genetics
Classification: Uncertain significance for Inborn genetic diseases. Last evaluated: 2024-12-06. Review status: criteria provided, single submitter. Criteria: Ambry Variant Classification Scheme 2023. Collection method: clinical testing. Allele origin: germline.

Labcorp Genetics (formerly Invitae), Labcorp
Classification: Uncertain significance. Last evaluated: 2022-11-01. Review status: criteria provided, single submitter. Criteria: Invitae Variant Classification Sherloc (09022015). Collection method: clinical testing. Allele origin: germline.
Comment: In summary, the available evidence is currently insufficient to determine the role of this variant in disease. Therefore, it has been classified as a Variant of Uncertain Significance. This sequence change replaces serine, which is neutral and polar, with arginine, which is basic and polar, at codon 203 of the TRAPPC12 protein (p.Ser203Arg). This variant is present in population databases (rs199651906, gnomAD 0.007%). This variant has not been reported in the literature in individuals affected with TRAPPC12-related conditions. ClinVar contains an entry for this variant (Variation ID: 1380282). Advanced modeling of protein sequence and biophysical properties (such as structural, functional, and spatial information, amino acid conservation, physicochemical variation, residue mobility, and thermodynamic stability) performed at Invitae indicates that this missense variant is expected to disrupt TRAPPC12 protein function.

NM_016030.6(TRAPPC12):c.609C>A (p.Ser203Arg)

Gene: TRAPPC12 (trafficking protein particle complex subunit 12; plus strand). Cytogenetic location: 2p25.3.
Variant type: single nucleotide variant.
Coding change: c.609C>A on transcript NM_016030.6 (MANE Select); coding-DNA position 609, C replaced by A.
Protein change: p.Ser203Arg; replaces serine 203 with arginine.
Molecular consequence: missense variant.
Genome position (GRCh38, 1-based): chr2:3,388,232, C>A. VCF-style: chr2-3388232-C-A. GRCh37 (hg19) VCF-style: chr2-3392003-C-A.
Other names: c.609C>A (NM_016030.5); c.609C>A, p.Ser203Arg (NM_001321102.2); short protein forms S203R.
Identifiers: ClinVar variation 1380282 (VCV001380282.8), dbSNP rs199651906, ClinGen allele CA1515112.